The following is an entry in ClinVar:

NM_006005.3(WFS1):c.396C>T (p.Leu132=)

Gene: WFS1 (wolframin ER transmembrane glycoprotein; plus strand). Cytogenetic location: 4p16.1.
Variant type: single nucleotide variant.
Coding change: c.396C>T on transcript NM_006005.3 (MANE Select); coding-DNA position 396, C replaced by T.
Protein change: p.Leu132=; no amino-acid change (leucine 132 retained).
Molecular consequence: synonymous variant.
Genome position (GRCh38, 1-based): chr4:6,289,067, C>T. VCF-style: chr4-6289067-C-T. GRCh37 (hg19) VCF-style: chr4-6290794-C-T.
Other names: c.396C>T, p.Leu132= (NM_001145853.1).
Identifiers: ClinVar variation 668661 (VCV000668661.7), dbSNP rs369759802, ClinGen allele CA2838883.

ClinVar aggregate classification (germline): Benign/Likely benign. Review status: criteria provided, multiple submitters, no conflicts (2 of 4 stars). 3 submissions from 3 submitters: Benign (1); Likely benign (2). Last evaluated 2025-12-24.

Conditions:
Wolfram syndrome 1 (WFS1). Identifiers: Orphanet 3463, MedGen C4551693, MONDO:0009101, OMIM 222300.

Allele frequency attached by ClinVar (database versions not stated): gnomAD exomes 0.00003; TOPMed 0.00003; ExAC 0.00006; gnomAD 0.00006 and 0.00007; ESP Exome Variant Server 0.00015.
gnomAD v4.1: 29 of 1,592,452 alleles (0.0018%); highest among the groups gnomAD compares: African/African-American, 0.019%; no homozygotes.

Submissions (3):

Labcorp Genetics (formerly Invitae), Labcorp
Classification: Likely benign. Last evaluated: 2025-12-24. Review status: criteria provided, single submitter. Criteria: Invitae Variant Classification Sherloc (09022015). Collection method: clinical testing. Allele origin: germline.

GeneDx
Classification: Likely benign. Last evaluated: 2021-04-02. Review status: criteria provided, single submitter. Criteria: GeneDx Variant Classification Process June 2021. Collection method: clinical testing. Allele origin: germline. Affected: yes.

Clinical Genomics, Uppaluri K&H Personalized Medicine Clinic
Classification: Benign for Wolfram syndrome 1. Review status: criteria provided, single submitter. Criteria: K & H Uppaluri Personalized Medicine Clinic Variant Classification & Assertion Criteria_Updated V.1. Collection method: research. Allele origin: unknown. Inheritance: Autosomal recessive inheritance.
Comment: Potent mutations in WFS1 gene are associated with Wolfram's syndrome, an autosomal recessive condition, which cause diabetes mellitus, diabetes insipidus, deafness and optic atrophy. However no sufficient evidence is found to ascertain the role of this particular variant rs369759802 in Wolfram's syndrome yet.

Literature cited by the submitters: PubMed 20738327 (cited by Clinical Genomics, Uppaluri K&H Personalized Medicine Clinic); PubMed 33879153 (cited by Clinical Genomics, Uppaluri K&H Personalized Medicine Clinic); PubMed 12955714 (cited by Clinical Genomics, Uppaluri K&H Personalized Medicine Clinic); PubMed 18060660 (cited by Clinical Genomics, Uppaluri K&H Personalized Medicine Clinic); PubMed 20301750 (cited by Clinical Genomics, Uppaluri K&H Personalized Medicine Clinic); PubMed 17603484 (cited by Clinical Genomics, Uppaluri K&H Personalized Medicine Clinic).